The following is an entry in ClinVar:

NM_005378.6(MYCN):c.799del (p.Asp267fs)

Gene: MYCN (MYCN proto-oncogene, bHLH transcription factor; plus strand). Cytogenetic location: 2p24.3.
Variant type: Deletion.
Coding change: c.799del on transcript NM_005378.6 (MANE Select); coding-DNA position 799, one base deleted (G; older notation c.799delG).
Protein change: p.Asp267fs; shifts the reading frame from aspartic acid 267.
Molecular consequence: frameshift variant. On other transcripts: 3 prime UTR variant (1).
Genome position (GRCh38, 1-based): chr2:15,945,501, G deleted. VCF-style (leftmost placement, unchanged base first): chr2-15945500-AG-A. GRCh37 (hg19) VCF-style: chr2-16085622-AG-A.
Other names: c.799del, p.Asp267fs (NM_001293228.2); c.166del, p.Asp56fs (NM_001293231.2); c.*734del (NM_001293233.2); short protein forms D267fs, D56fs.
Identifiers: ClinVar variation 985858 (VCV000985858.3), dbSNP rs1662837763, ClinGen allele CA1139656754.
Genomic context (GRCh38, chr2:15,945,500, plus strand): 5'-TGAATTTCATTCAAATGGTTCTCACATGAGAGTAACTAGCATCTTTCTCTCAGATGATGA[AG>A]ATGATGAAGAGGAAGATGAAGAGGAAGAAATCGACGTGGTCACTGTGGAGAAGCGGCGTT-3'

ClinVar aggregate classification (germline): Pathogenic (1 of 4 stars; one submission).

Conditions:
Inborn genetic diseases. Identifiers: MedGen C0950123, MeSH D030342.

Submission:

Ambry Genetics
Classification: Pathogenic for Inborn genetic diseases. Last evaluated: 2024-03-11. Review status: criteria provided, single submitter. Criteria: Ambry Variant Classification Scheme 2023. Collection method: clinical testing. Allele origin: germline.
Comment: The c.799delG (p.D267Mfs*52) alteration, located in exon 3 (coding exon 2) of the MYCN gene, consists of a deletion of one nucleotide at position 799, causing a translational frameshift with a predicted alternate stop codon after 52 amino acids. This alteration occurs in the last exon of the MYCN gene, is not expected to trigger nonsense-mediated mRNA decay, and impacts the last 42% of the protein. Premature stop codons are typically deleterious in nature, the impacted region is critical for protein function, and a significant portion of the protein is affected (Ambry internal data). This variant was not reported in population-based cohorts in the Genome Aggregation Database (gnomAD). Based on the available evidence, this alteration is classified as pathogenic.